The following is an entry in ClinVar:

ClinVar aggregate classification (germline): Uncertain significance (1 of 4 stars; one submission).

Conditions:
Werner syndrome (WRN). Identifiers: Orphanet 902, MedGen C0043119, MONDO:0010196, OMIM 277700.

Submission:

Labcorp Genetics (formerly Invitae), Labcorp
Classification: Uncertain significance for Werner syndrome. Last evaluated: 2022-01-26. Review status: criteria provided, single submitter. Criteria: Invitae Variant Classification Sherloc (09022015). Collection method: clinical testing. Allele origin: germline.
Comment: This sequence change replaces valine, which is neutral and non-polar, with phenylalanine, which is neutral and non-polar, at codon 1312 of the WRN protein (p.Val1312Phe). This variant is not present in population databases (gnomAD no frequency). This variant has not been reported in the literature in individuals affected with WRN-related conditions. Algorithms developed to predict the effect of missense changes on protein structure and function are either unavailable or do not agree on the potential impact of this missense change (SIFT: "Not Available"; PolyPhen-2: "Possibly Damaging"; Align-GVGD: "Not Available"). In summary, the available evidence is currently insufficient to determine the role of this variant in disease. Therefore, it has been classified as a Variant of Uncertain Significance.

NM_000553.6(WRN):c.3934G>T (p.Val1312Phe)

Gene: WRN (WRN RecQ like helicase; plus strand). Cytogenetic location: 8p12.
Variant type: single nucleotide variant.
Coding change: c.3934G>T on transcript NM_000553.6 (MANE Select); coding-DNA position 3934, G replaced by T.
Protein change: p.Val1312Phe; replaces valine 1312 with phenylalanine.
Molecular consequence: missense variant.
Genome position (GRCh38, 1-based): chr8:31,157,482, G>T. VCF-style: chr8-31157482-G-T. GRCh37 (hg19) VCF-style: chr8-31014998-G-T.
Other names: short protein forms V1312F.
Identifiers: ClinVar variation 2089725 (VCV002089725.1), dbSNP rs2130481174, ClinGen allele CA370929521.